The following is an entry in ClinVar:

NM_006514.4(SCN10A):c.3263C>T (p.Thr1088Met)

Genes: SCN10A (sodium voltage-gated channel alpha subunit 10; minus strand), LOC110121288 (VISTA enhancer hs2268; plus strand). Cytogenetic location: 3p22.2.
Variant type: single nucleotide variant.
Coding change: c.3263C>T on transcript NM_006514.4 (MANE Select); coding-DNA position 3263, C replaced by T.
Protein change: p.Thr1088Met; replaces threonine 1088 with methionine.
Molecular consequence: missense variant.
Genome position (GRCh38, 1-based): chr3:38,723,519, G>A on the plus strand (C>T on the coding strand, the complement: SCN10A is on the minus strand). VCF-style: chr3-38723519-G-A. GRCh37 (hg19) VCF-style: chr3-38765010-G-A.
Other names: c.3260C>T, p.Thr1087Met (NM_001293306.2); c.2969C>T, p.Thr990Met (NM_001293307.2); short protein forms T1088M, T990M, T1087M.
Identifiers: ClinVar variation 3158493 (VCV003158493.6), dbSNP rs1048494396, ClinGen allele CA72958561.

ClinVar aggregate classification (germline): Uncertain significance. Review status: criteria provided, multiple submitters, no conflicts (2 of 4 stars). 2 submissions from 2 submitters: Uncertain significance (2). Last evaluated 2026-03-01.

Conditions:
Cardiovascular phenotype. Identifiers: MedGen CN230736.

Allele frequency attached by ClinVar (database versions not stated): TOPMed below 0.00001; gnomAD 0.00001.
gnomAD v4.1: 12 of 1,610,182 alleles (0.00075%); highest among the groups gnomAD compares: South Asian, 0.0022%; no homozygotes.

Submissions (2):

CeGaT Center for Human Genetics Tuebingen
Classification: Uncertain significance. Last evaluated: 2026-03-01. Review status: criteria provided, single submitter. Criteria: CeGaT Center For Human Genetics Tuebingen Variant Classification Criteria Version 2. Collection method: clinical testing. Allele origin: germline. Affected: yes. Observed: 1 variant allele.

Ambry Genetics
Classification: Uncertain significance for Cardiovascular phenotype. Last evaluated: 2024-09-02. Review status: criteria provided, single submitter. Criteria: Ambry Variant Classification Scheme 2023. Collection method: clinical testing. Allele origin: germline.
Comment: The p.T1088M variant (also known as c.3263C>T), located in coding exon 18 of the SCN10A gene, results from a C to T substitution at nucleotide position 3263. The threonine at codon 1088 is replaced by methionine, an amino acid with similar properties. This amino acid position is conserved. In addition, the in silico prediction for this alteration is inconclusive. Based on the available evidence, the clinical significance of this variant remains unclear.